The following is an entry in ClinVar:

ClinVar aggregate classification (germline): Uncertain significance. Review status: criteria provided, multiple submitters, no conflicts (2 of 4 stars). 2 submissions from 2 submitters: Uncertain significance (2). Last evaluated 2023-10-10.

Conditions:
Inborn genetic diseases. Identifiers: MedGen C0950123, MeSH D030342.
Desbuquois dysplasia 1 (DBQD1). Also called: MICROMELIC DWARFISM WITH VERTEBRAL AND METAPHYSEAL ABNORMALITIES AND ADVANCED CARPOTARSAL OSSIFICATION; DESBUQUOIS DYSPLASIA 1, KIM VARIANT. Identifiers: Orphanet 1425, MedGen C4012146, MONDO:0009629, OMIM 251450.

Allele frequency attached by ClinVar (database versions not stated): gnomAD 0.00001; gnomAD exomes 0.00001 and 0.00002; ExAC 0.00002; TOPMed 0.00003.
gnomAD v4.1: 17 of 1,614,082 alleles (0.0011%); highest among the groups gnomAD compares: Middle Eastern, 0.016%; no homozygotes.

Submissions (2):

Ambry Genetics
Classification: Uncertain significance for Inborn genetic diseases. Last evaluated: 2023-10-10. Review status: criteria provided, single submitter. Criteria: Ambry Variant Classification Scheme 2023. Collection method: clinical testing. Allele origin: germline.

Labcorp Genetics (formerly Invitae), Labcorp
Classification: Uncertain significance for Desbuquois dysplasia 1. Last evaluated: 2021-05-18. Review status: criteria provided, single submitter. Criteria: Invitae Variant Classification Sherloc (09022015). Collection method: clinical testing. Allele origin: germline.
Comment: In summary, the available evidence is currently insufficient to determine the role of this variant in disease. Therefore, it has been classified as a Variant of Uncertain Significance. Algorithms developed to predict the effect of sequence changes on RNA splicing suggest that this variant may create or strengthen a splice site, but this prediction has not been confirmed by published transcriptional studies. Algorithms developed to predict the effect of missense changes on protein structure and function (SIFT, PolyPhen-2, Align-GVGD) all suggest that this variant is likely to be disruptive, but these predictions have not been confirmed by published functional studies and their clinical significance is uncertain. This variant has not been reported in the literature in individuals with XYLT1-related conditions. This variant is present in population databases (rs748903122, ExAC 0.003%). This sequence change replaces glycine with serine at codon 336 of the XYLT1 protein (p.Gly336Ser). The glycine residue is highly conserved and there is a small physicochemical difference between glycine and serine.

NM_022166.4(XYLT1):c.1006G>A (p.Gly336Ser)

Gene: XYLT1 (xylosyltransferase 1; minus strand). Cytogenetic location: 16p12.3.
Variant type: single nucleotide variant.
Coding change: c.1006G>A on transcript NM_022166.4 (MANE Select); coding-DNA position 1006, G replaced by A.
Protein change: p.Gly336Ser; replaces glycine 336 with serine.
Molecular consequence: missense variant.
Genome position (GRCh38, 1-based): chr16:17,200,562, C>T on the plus strand (G>A on the coding strand, the complement: XYLT1 is on the minus strand). VCF-style: chr16-17200562-C-T. GRCh37 (hg19) VCF-style: chr16-17294419-C-T.
Other names: c.1006G>A (NM_022166.3); short protein forms G336S.
Identifiers: ClinVar variation 1441106 (VCV001441106.9), dbSNP rs748903122, ClinGen allele CA7928049.